The following is an entry in ClinVar:

NM_000368.5(TSC1):c.2106_2109delinsTTGTTTTAAGAGCGTTT (p.Leu702fs)

Gene: TSC1 (TSC complex subunit 1; minus strand). Cytogenetic location: 9q34.13.
Variant type: Indel.
Coding change: c.2106_2109delinsTTGTTTTAAGAGCGTTT on transcript NM_000368.5 (MANE Select); coding-DNA positions 2106 to 2109, ACTC replaced by TTGTTTTAAGAGCGTTT.
Protein change: p.Leu702fs; shifts the reading frame from leucine 702.
Molecular consequence: frameshift variant.
Genome position (GRCh38, 1-based): chr9:132,903,750-132,903,753, GAGT replaced by AAACGCTCTTAAAACAA on the plus strand (ACTC replaced by TTGTTTTAAGAGCGTTT on the coding strand, the reverse complement: TSC1 is on the minus strand). VCF-style: chr9-132903750-GAGT-AAACGCTCTTAAAACAA. GRCh37 (hg19) VCF-style: chr9-135779137-GAGT-AAACGCTCTTAAAACAA.
Other names: c.2106_2109delACTCinsTTGTTTTAAGAGCGTTT (NM_000368.4); c.2103_2106delinsTTGTTTTAAGAGCGTTT, p.Leu701fs (NM_001162426.2); c.1953_1956delinsTTGTTTTAAGAGCGTTT, p.Leu651fs (NM_001162427.2); c.1743_1746delinsTTGTTTTAAGAGCGTTT, p.Leu581fs (NM_001362177.2); short protein forms L651fs, L701fs, L702fs, L581fs.
Identifiers: ClinVar variation 372541 (VCV000372541.1), dbSNP rs1057517842, ClinGen allele CA16042753.

ClinVar aggregate classification (germline): Pathogenic (1 of 4 stars; one submission).

Submission:

GeneDx
Classification: Pathogenic. Last evaluated: 2015-09-03. Review status: criteria provided, single submitter. Criteria: GeneDx Variant Classification (06012015). Collection method: clinical testing. Allele origin: germline. Affected: yes.
Comment: The c.2106_2109delACTCins17 pathogenic variant in the TSC1 gene causes a frameshift starting with codon Leucine 702, changes this amino acid to a Phenylalanine residue and creates a premature Stop codon at position 8 of the new reading frame, denoted p.Leu702PhefsX8. This variant is predicted to cause loss of normal protein function either through protein truncation or nonsense-mediated mRNA decay. Although this variant has not been previously reported to our knowledge, other frameshift variants have been reported in the TSC1 gene in association with tuberous sclerosis (TSC1 LOVD; Stenson et al., 2014). Therefore, we interpret this variant to be pathogenic.